The following is an entry in ClinVar:

NM_182961.4(SYNE1):c.25150A>G (p.Ile8384Val)

Gene: SYNE1 (spectrin repeat containing nuclear envelope protein 1; minus strand). Cytogenetic location: 6q25.2.
Variant type: single nucleotide variant.
Coding change: c.25150A>G on transcript NM_182961.4 (MANE Select); coding-DNA position 25150, A replaced by G.
Protein change: p.Ile8384Val; replaces isoleucine 8384 with valine.
Molecular consequence: missense variant.
Genome position (GRCh38, 1-based): chr6:152,141,299, T>C on the plus strand (A>G on the coding strand, the complement: SYNE1 is on the minus strand). VCF-style: chr6-152141299-T-C. GRCh37 (hg19) VCF-style: chr6-152462434-T-C.
Other names: c.1756A>G, p.Ile586Val (NM_001347701.2); c.1684A>G, p.Ile562Val (NM_001347702.2); c.25006A>G, p.Ile8336Val (NM_033071.5); short protein forms I562V, I586V, I8336V, I8384V.
Identifiers: ClinVar variation 1366645 (VCV001366645.6), dbSNP rs1421570389, ClinGen allele CA366082289.
Genomic context (GRCh38, chr6:152,141,299, plus strand): 5'-AGCCAGGAAGGCTCTCCTCTTCCTCCTTCAGTTTGTGCTCCAGTCTCTTCACGGAGTCTA[T>C]ACTGCTACTGCATTCGCCCAGCAGTTTCATCTGTTTAGACATAAACAACCGGCCCCTGTC-3'
Protein context (NP_892006.3, residues 8374-8394): MKLLGECSSS[Ile8384Val]DSVKRLEHKL

ClinVar aggregate classification (germline): Uncertain significance (1 of 4 stars; one submission).

Conditions:
Emery-Dreifuss muscular dystrophy 4, autosomal dominant (EDMD4). Also called: EMERY-DREIFUSS MUSCULAR DYSTROPHY 4 WITH VARIABLE FEATURES. Identifiers: Orphanet 261, MedGen C2751807, MONDO:0013071, OMIM 612998.
Autosomal recessive ataxia, Beauce type. Also called: SYNE1-Related Autosomal Recessive Cerebellar Ataxia; Spinocerebellar ataxia, autosomal recessive 8; ATAXIA, RECESSIVE, OF BEAUCE; SYNE1 Deficiency. Identifiers: Orphanet 88644, MedGen C1853116, MONDO:0012549, OMIM 610743.

Allele frequency attached by ClinVar (database versions not stated): TOPMed 0.00002.

Submission:

Labcorp Genetics (formerly Invitae), Labcorp
Classification: Uncertain significance for Emery-Dreifuss muscular dystrophy 4, autosomal dominant; Autosomal recessive ataxia, Beauce type. Last evaluated: 2021-10-12. Review status: criteria provided, single submitter. Criteria: Invitae Variant Classification Sherloc (09022015). Collection method: clinical testing. Allele origin: germline.
Comment: This variant is not present in population databases (ExAC no frequency). This sequence change replaces isoleucine with valine at codon 8336 of the SYNE1 protein (p.Ile8336Val). The isoleucine residue is highly conserved and there is a small physicochemical difference between isoleucine and valine. This variant has not been reported in the literature in individuals affected with SYNE1-related conditions. Algorithms developed to predict the effect of missense changes on protein structure and function are either unavailable or do not agree on the potential impact of this missense change (SIFT: "Deleterious"; PolyPhen-2: "Possibly Damaging"; Align-GVGD: "Class C0"). In summary, the available evidence is currently insufficient to determine the role of this variant in disease. Therefore, it has been classified as a Variant of Uncertain Significance.